The following is an entry in ClinVar:

NM_001353921.2(ARHGEF9):c.1218T>A (p.Thr406=)

Gene: ARHGEF9 (Cdc42 guanine nucleotide exchange factor 9; minus strand). Cytogenetic location: Xq11.1.
Variant type: single nucleotide variant.
Coding change: c.1218T>A on transcript NM_001353921.2 (MANE Select); coding-DNA position 1218, T replaced by A.
Protein change: p.Thr406=; no amino-acid change (threonine 406 retained).
Molecular consequence: synonymous variant. On other transcripts: intron variant (2).
Genome position (GRCh38, 1-based): chrX:63,655,597, A>T on the plus strand (T>A on the coding strand, the complement: ARHGEF9 is on the minus strand). VCF-style: chrX-63655597-A-T. GRCh37 (hg19) VCF-style: chrX-62875477-A-T.
Other names: c.1038T>A, p.Thr346= (NM_001173479.2); c.891T>A, p.Thr297= (NM_001173480.2, NM_001369042.1); c.1134T>A, p.Thr378= (NM_001330495.2, NM_001369033.1, NM_001369034.1 and 4 more transcripts); c.1086T>A, p.Thr362= (NM_001353922.2); c.1236T>A, p.Thr412= (NM_001353923.1); c.1017T>A, p.Thr339= (NM_001353924.2, NM_001353926.2, NM_001369039.1 and 1 more transcripts); c.1002T>A, p.Thr334= (NM_001353927.2, NM_001369041.1); c.1065T>A, p.Thr355= (NM_001353928.2); and 3 more.
Identifiers: ClinVar variation 383979 (VCV000383979.1), dbSNP rs1057521807, ClinGen allele CA16608892.
Genomic context (GRCh38, chrX:63,655,597, plus strand): 5'-AGCCCTGAGCCAGCGTATTTTTTCCTCCAGCTTCTTGGCAAAGAACAGATGTATCTCCTC[A>T]GTCTCCTTGTTGTGAAGCTTAAAGGCATTCTTCATGCTGACATTGAAGTCATCATCTCTG-3'
Protein context (NP_001340850.1, residues 396-416): KNAFKLHNKE[Thr406=]EEIHLFFAKK

ClinVar aggregate classification (germline): Likely benign (1 of 4 stars; one submission).

Allele frequency attached by ClinVar (database versions not stated): TOPMed 0.00003 and 0.00005; gnomAD 0.00001.
gnomAD v4.1: 1 of 1,209,489 alleles (0.000083%); highest among the groups gnomAD compares: African/African-American, 0.0018%; no homozygotes.

Submission:

GeneDx
Classification: Likely benign. Last evaluated: 2016-05-27. Review status: criteria provided, single submitter. Criteria: GeneDx Variant Classification (06012015). Collection method: clinical testing. Allele origin: germline. Affected: yes.
Comment: This variant is considered likely benign or benign based on one or more of the following criteria: it is a conservative change, it occurs at a poorly conserved position in the protein, it is predicted to be benign by multiple in silico algorithms, and/or has population frequency not consistent with disease.